The following is an entry in ClinVar:

ClinVar aggregate classification (germline): Pathogenic (1 of 4 stars; one submission).

Submission:

Quest Diagnostics Nichols Institute San Juan Capistrano
Classification: Pathogenic. Last evaluated: 2023-06-14. Review status: criteria provided, single submitter. Criteria: ACMG/ClinGen CNV Guidelines, 2019. Collection method: clinical testing. Allele origin: unknown.
Comment: The 15q11q13 recurrent deletion interval (BP2-BP3) of the Prader-Willi/Angelman critical region includes several imprinted genes, including paternally expressed SNRPN and maternally expressed UBE3A. This deletion is consistent with either Angelman (AS; OMIM 105830) or Prader-Willi (PWS; OMIM 176270) syndrome, depending on the parent of origin for the deleted chromosome 15 segment. See GeneReviews for additional information and references regarding Angelman Syndrome or Prader-Willi syndrome.

GRCh37/hg19 15q11.2-13.1(chr15:23615769-28915864)x1

Genes: HERC2 (HECT and RLD domain containing E3 ubiquitin protein ligase 2; minus strand), IPW (imprinted in Prader-Willi syndrome; plus strand), ATP10A (ATPase phospholipid transporting 10A (putative); minus strand), GABRA5 (gamma-aminobutyric acid type A receptor subunit alpha5; plus strand), GABRB3 (gamma-aminobutyric acid type A receptor subunit beta3; minus strand) and 19 more. Cytogenetic location: 15q11.2-13.1.
Variant type: copy number loss.
Change: copy number 1 (one copy instead of two) of chr15:23,615,769-28,915,864 (5.30 Mb, GRCh37 coordinates, 1-based), cytogenetic band 15q11.2-13.1.
Identifiers: ClinVar variation 2685503 (VCV002685503.1).